The following is an entry in ClinVar:

ClinVar aggregate classification (germline): Uncertain significance (1 of 4 stars; one submission).

Conditions:
Catecholaminergic polymorphic ventricular tachycardia 1. Also called: RYR2-Related Catecholaminergic Polymorphic Ventricular Tachycardia; VENTRICULAR TACHYCARDIA, CATECHOLAMINERGIC POLYMORPHIC, 1, WITH OR WITHOUT ATRIAL DYSFUNCTION AND/OR DILATED CARDIOMYOPATHY; VENTRICULAR TACHYCARDIA, STRESS-INDUCED POLYMORPHIC 1. Identifiers: Orphanet 3286, MedGen C1631597, MONDO:0011484, OMIM 604772.

Submission:

Labcorp Genetics (formerly Invitae), Labcorp
Classification: Uncertain significance for Catecholaminergic polymorphic ventricular tachycardia 1. Last evaluated: 2025-08-28. Review status: criteria provided, single submitter. Criteria: Invitae Variant Classification Sherloc (09022015). Collection method: clinical testing. Allele origin: germline.
Comment: This sequence change replaces asparagine, which is neutral and polar, with lysine, which is basic and polar, at codon 2386 of the RYR2 protein (p.Asn2386Lys). This variant is not present in population databases (gnomAD no frequency). This variant has not been reported in the literature in individuals affected with RYR2-related conditions. ClinVar contains an entry for this variant (Variation ID: 1353407). Invitae Evidence Modeling of protein sequence and biophysical properties (such as structural, functional, and spatial information, amino acid conservation, physicochemical variation, residue mobility, and thermodynamic stability) has been performed for this missense variant. However, the output from this modeling did not meet the statistical confidence thresholds required to predict the impact of this variant on RYR2 protein function. This variant disrupts the p.Asn2386 amino acid residue in RYR2. Other variant(s) that disrupt this residue have been determined to be pathogenic (PMID: 12106942, 15364613, 22828895). This suggests that this residue is clinically significant, and that variants that disrupt this residue are likely to be disease-causing. In summary, the available evidence is currently insufficient to determine the role of this variant in disease. Therefore, it has been classified as a Variant of Uncertain Significance.

Literature cited by the submitters: PubMed 12106942; PubMed 15364613; PubMed 22828895.

NM_001035.3(RYR2):c.7158C>A (p.Asn2386Lys)

Gene: RYR2 (ryanodine receptor 2; plus strand). Cytogenetic location: 1q43.
Variant type: single nucleotide variant.
Coding change: c.7158C>A on transcript NM_001035.3 (MANE Select); coding-DNA position 7158, C replaced by A.
Protein change: p.Asn2386Lys; replaces asparagine 2386 with lysine.
Molecular consequence: missense variant.
Genome position (GRCh38, 1-based): chr1:237,640,939, C>A. VCF-style: chr1-237640939-C-A. GRCh37 (hg19) VCF-style: chr1-237804239-C-A.
Other names: short protein forms N2386K.
Identifiers: ClinVar variation 1353407 (VCV001353407.7), dbSNP rs376057173, ClinGen allele CA345396659.